The following is an entry in ClinVar:

NM_178012.5(TUBB2B):c.1302G>A (p.Gly434=)

Gene: TUBB2B (tubulin beta 2B class IIb; minus strand). Cytogenetic location: 6p25.2.
Variant type: single nucleotide variant.
Coding change: c.1302G>A on transcript NM_178012.5 (MANE Select); coding-DNA position 1302, G replaced by A.
Protein change: p.Gly434=; no amino-acid change (glycine 434 retained).
Molecular consequence: synonymous variant.
Genome position (GRCh38, 1-based): chr6:3,224,787, C>T on the plus strand (G>A on the coding strand, the complement: TUBB2B is on the minus strand). VCF-style: chr6-3224787-C-T. GRCh37 (hg19) VCF-style: chr6-3225021-C-T.
Identifiers: ClinVar variation 76304 (VCV000076304.24), dbSNP rs144553817, ClinGen allele CA3619150.

ClinVar aggregate classification (germline): Benign/Likely benign. Review status: criteria provided, multiple submitters, no conflicts (2 of 4 stars). 4 submissions from 4 submitters: Benign (2); Likely benign (2). Last evaluated 2026-01-06.

Allele frequency attached by ClinVar (database versions not stated): ExAC 0.00054; gnomAD exomes 0.00063 and 0.00156; gnomAD 0.00071 and 0.00076; TOPMed 0.00082; ESP Exome Variant Server 0.00108.
gnomAD v4.1: 2,390 of 1,613,664 alleles (0.15%); highest among the groups gnomAD compares: Non-Finnish European, 0.19%; 2 homozygotes.

Submissions (4):

Labcorp Genetics (formerly Invitae), Labcorp
Classification: Benign. Last evaluated: 2026-01-06. Review status: criteria provided, single submitter. Criteria: Invitae Variant Classification Sherloc (09022015). Collection method: clinical testing. Allele origin: germline.

CeGaT Center for Human Genetics Tuebingen
Classification: Likely benign. Last evaluated: 2024-12-01. Review status: criteria provided, single submitter. Criteria: CeGaT Center For Human Genetics Tuebingen Variant Classification Criteria Version 2. Collection method: clinical testing. Allele origin: germline. Affected: yes. Observed: 1 variant allele.
Comment: TUBB2B: BP4, BP7, BS1

Blueprint Genetics
Classification: Likely benign. Last evaluated: 2024-10-29. Review status: criteria provided, single submitter. Criteria: ACMG Guidelines, 2015. Collection method: clinical testing. Allele origin: germline.

GeneDx
Classification: Benign. Last evaluated: 2020-06-30. Review status: criteria provided, single submitter. Criteria: GeneDx Variant Classification Process June 2021. Collection method: clinical testing. Allele origin: germline. Affected: yes.